The following is an entry in ClinVar:

NM_000308.4(CTSA):c.1344dup (p.Phe449fs)

Gene: CTSA (cathepsin A; plus strand). Cytogenetic location: 20q13.12.
Variant type: Duplication.
Coding change: c.1344dup on transcript NM_000308.4 (MANE Select); coding-DNA position 1344, one base duplicated (C; older notation c.1344dupC).
Protein change: p.Phe449fs; shifts the reading frame from phenylalanine 449.
Molecular consequence: frameshift variant. On other transcripts: non-coding transcript variant (1).
Genome position (GRCh38, 1-based): chr20:45,898,094, C duplicated; the last of 2 consecutive C bases (chr20:45,898,093-45,898,094); duplicating either gives the same sequence. VCF-style (leftmost placement, unchanged base first): chr20-45898092-G-GC. GRCh37 (hg19) VCF-style: chr20-44526731-G-GC.
Other names: c.1344dup, p.Phe449fs (NM_001127695.3); c.1293dup, p.Phe432fs (NM_001167594.3); short protein forms F432fs, F449fs.
Identifiers: ClinVar variation 2429141 (VCV002429141.3), dbSNP rs2515448847, ClinGen allele CA2580098217.

ClinVar aggregate classification (germline): Uncertain significance (1 of 4 stars; one submission).

Submission:

Women's Health and Genetics/Laboratory Corporation of America, LabCorp
Classification: Uncertain significance. Last evaluated: 2023-01-24. Review status: criteria provided, single submitter. Criteria: LabCorp Variant Classification Summary - May 2015. Collection method: clinical testing. Allele origin: germline.
Comment: Variant summary: CTSA c.1398dupC (p.Phe467LeufsX43) causes a frameshift which results in an extension of the protein. The variant was absent in 251360 control chromosomes. The available data on variant occurrences in the general population are insufficient to allow any conclusion about variant significance. To our knowledge, no occurrence of c.1398dupC in individuals affected with Galactosialidosis and no experimental evidence demonstrating its impact on protein function have been reported. No clinical diagnostic laboratories have submitted clinical-significance assessments for this variant to ClinVar after 2014. Based on the evidence outlined above, the variant was classified as uncertain significance.